The following is an entry in ClinVar:

NM_006033.4(LIPG):c.728C>T (p.Pro243Leu)

Gene: LIPG (lipase G, endothelial type; plus strand). Cytogenetic location: 18q21.1.
Variant type: single nucleotide variant.
Coding change: c.728C>T on transcript NM_006033.4 (MANE Select); coding-DNA position 728, C replaced by T.
Protein change: p.Pro243Leu; replaces proline 243 with leucine.
Molecular consequence: missense variant. On other transcripts: intron variant (1).
Genome position (GRCh38, 1-based): chr18:49,575,525, C>T. VCF-style: chr18-49575525-C-T. GRCh37 (hg19) VCF-style: chr18-47101895-C-T.
Other names: c.572-5890C>T (NM_001308006.2); short protein forms P243L.
Identifiers: ClinVar variation 2784674 (VCV002784674.3), dbSNP rs1600552359, ClinGen allele CA402419444.

ClinVar aggregate classification (germline): Uncertain significance (1 of 4 stars; one submission).

Allele frequency attached by ClinVar (database versions not stated): gnomAD exomes below 0.00001.
gnomAD v4.1: 2 of 1,614,170 alleles (0.00012%); highest among the groups gnomAD compares: East Asian, 0.0022%; no homozygotes.

Submission:

Labcorp Genetics (formerly Invitae), Labcorp
Classification: Uncertain significance. Last evaluated: 2022-12-03. Review status: criteria provided, single submitter. Criteria: Invitae Variant Classification Sherloc (09022015). Collection method: clinical testing. Allele origin: germline.
Comment: In summary, the available evidence is currently insufficient to determine the role of this variant in disease. Therefore, it has been classified as a Variant of Uncertain Significance. Algorithms developed to predict the effect of missense changes on protein structure and function (SIFT, PolyPhen-2, Align-GVGD) all suggest that this variant is likely to be disruptive. This variant has not been reported in the literature in individuals affected with LIPG-related conditions. This variant is not present in population databases (gnomAD no frequency). This sequence change replaces proline, which is neutral and non-polar, with leucine, which is neutral and non-polar, at codon 243 of the LIPG protein (p.Pro243Leu).